The following is an entry in ClinVar:

ClinVar aggregate classification (germline): Uncertain significance (1 of 4 stars; one submission).

Submission:

GeneDx
Classification: Uncertain significance. Last evaluated: 2025-03-28. Review status: criteria provided, single submitter. Criteria: GeneDx Variant Classification Process June 2021. Collection method: clinical testing. Allele origin: germline. Affected: yes.
Comment: Not observed at significant frequency in large population cohorts (gnomAD); In silico analysis indicates that this missense variant does not alter protein structure/function; Has not been previously published as pathogenic or benign to our knowledge

NM_003070.5(SMARCA2):c.1624A>G (p.Asn542Asp)

Gene: SMARCA2 (SWI/SNF related BAF chromatin remodeling complex subunit ATPase 2; plus strand). Cytogenetic location: 9p24.3.
Variant type: single nucleotide variant.
Coding change: c.1624A>G on transcript NM_003070.5 (MANE Select); coding-DNA position 1624, A replaced by G.
Protein change: p.Asn542Asp; replaces asparagine 542 with aspartic acid.
Molecular consequence: missense variant.
Genome position (GRCh38, 1-based): chr9:2,060,918, A>G. VCF-style: chr9-2060918-A-G. GRCh37 (hg19) VCF-style: chr9-2060918-A-G.
Other names: c.1624A>G, p.Asn542Asp (NM_001289396.2, NM_001289397.2, NM_139045.4); short protein forms N542D.
Identifiers: ClinVar variation 4278710 (VCV004278710.1).